The following is an entry in ClinVar:

NM_007315.4(STAT1):c.1738G>T (p.Gly580Cys)

Gene: STAT1 (signal transducer and activator of transcription 1; minus strand). Cytogenetic location: 2q32.2.
Variant type: single nucleotide variant.
Coding change: c.1738G>T on transcript NM_007315.4 (MANE Select); coding-DNA position 1738, G replaced by T.
Protein change: p.Gly580Cys; replaces glycine 580 with cysteine.
Molecular consequence: missense variant.
Genome position (GRCh38, 1-based): chr2:190,978,991, C>A on the plus strand (G>T on the coding strand, the complement: STAT1 is on the minus strand). VCF-style: chr2-190978991-C-A. GRCh37 (hg19) VCF-style: chr2-191843717-C-A.
Other names: c.1678G>T, p.Gly560Cys (NM_001384880.1); c.1744G>T, p.Gly582Cys (NM_001384881.1, NM_001384884.1); c.1732G>T, p.Gly578Cys (NM_001384882.1); c.1639G>T, p.Gly547Cys (NM_001384883.1); c.1579G>T, p.Gly527Cys (NM_001384885.1); c.1738G>T, p.Gly580Cys (NM_001384886.1, NM_001384889.1, NM_001437284.1 and 1 more transcripts); c.1645G>T, p.Gly549Cys (NM_001384887.1); c.1708G>T, p.Gly570Cys (NM_001384888.1); and 2 more; short protein forms G570C, G580C, G592C, G527C, G549C, G560C, G578C, G547C.
Identifiers: ClinVar variation 4791755 (VCV004791755.1).

ClinVar aggregate classification (germline): Uncertain significance (1 of 4 stars; one submission).

Conditions:
Autoimmune enteropathy and endocrinopathy - susceptibility to chronic infections syndrome. Also called: Immunodeficiency 31C, autosomal dominant; Immunodeficiency 31C. Identifiers: Orphanet 391487, MedGen C3279990, MONDO:0013599, OMIM 614162.
Immunodeficiency 31B. Also called: STAT1 DEFICIENCY, AUTOSOMAL RECESSIVE; IMMUNODEFICIENCY 31B, MYCOBACTERIAL AND VIRAL INFECTIONS, AUTOSOMAL RECESSIVE. Identifiers: Orphanet 391311, MedGen C3151088, MONDO:0013427, OMIM 613796.
Mendelian susceptibility to mycobacterial diseases due to partial STAT1 deficiency. Also called: IMMUNODEFICIENCY 31A, MYCOBACTERIOSIS, AUTOSOMAL DOMINANT; STAT1 DEFICIENCY, AUTOSOMAL DOMINANT; Immunodeficiency 31a. Identifiers: Orphanet 319595, MedGen C4013950, MONDO:0013956, OMIM 614892.

gnomAD v4.1: 1 of 1,614,140 alleles (0.000062%); highest among the groups gnomAD compares: Non-Finnish European, 0.000085%; no homozygotes.

Submission:

Labcorp Genetics (formerly Invitae), Labcorp
Classification: Uncertain significance for Mendelian susceptibility to mycobacterial diseases due to partial STAT1 deficiency; Immunodeficiency 31B; Autoimmune enteropathy and endocrinopathy - susceptibility to chronic infections syndrome. Last evaluated: 2025-07-30. Review status: criteria provided, single submitter. Criteria: Invitae Variant Classification Sherloc (09022015). Collection method: clinical testing. Allele origin: germline.
Comment: This sequence change replaces glycine, which is neutral and non-polar, with cysteine, which is neutral and slightly polar, at codon 580 of the STAT1 protein (p.Gly580Cys). This variant is not present in population databases (gnomAD no frequency). This variant has not been reported in the literature in individuals affected with STAT1-related conditions. An algorithm developed to predict the effect of missense changes on protein structure and function (PolyPhen-2) suggests that this variant is likely to be disruptive. In summary, the available evidence is currently insufficient to determine the role of this variant in disease. Therefore, it has been classified as a Variant of Uncertain Significance.